The following is an entry in ClinVar:

ClinVar aggregate classification (germline): Uncertain significance (1 of 4 stars; one submission).

gnomAD v4.1: 1 of 1,609,928 alleles (0.000062%); highest among the groups gnomAD compares: South Asian, 0.0011%; no homozygotes.

Submission:

Ambry Genetics
Classification: Uncertain significance. Last evaluated: 2025-06-27. Review status: criteria provided, single submitter. Criteria: Ambry Variant Classification Scheme 2023. Collection method: clinical testing. Allele origin: germline.
Comment: The p.H109Q variant (also known as c.327T>G), located in coding exon 2 of the GEN1 gene, results from a T to G substitution at nucleotide position 327. The histidine at codon 109 is replaced by glutamine, an amino acid with highly similar properties. This amino acid position is conserved. In addition, this alteration is predicted to be tolerated by in silico analysis. Based on the available evidence, the clinical significance of this variant remains unclear.

NM_001130009.3(GEN1):c.327T>G (p.His109Gln)

Gene: GEN1 (GEN1 Holliday junction 5' flap endonuclease; plus strand). Cytogenetic location: 2p24.2.
Variant type: single nucleotide variant.
Coding change: c.327T>G on transcript NM_001130009.3 (MANE Select); coding-DNA position 327, T replaced by G.
Protein change: p.His109Gln; replaces histidine 109 with glutamine.
Molecular consequence: missense variant.
Genome position (GRCh38, 1-based): chr2:17,761,561, T>G. VCF-style: chr2-17761561-T-G. GRCh37 (hg19) VCF-style: chr2-17942828-T-G.
Other names: c.327T>G, p.His109Gln (NM_182625.5); short protein forms H109Q.
Identifiers: ClinVar variation 4262995 (VCV004262995.1).